The following is an entry in ClinVar:

ClinVar aggregate classification (germline): Likely benign. Review status: criteria provided, multiple submitters, no conflicts (2 of 4 stars). 2 submissions from 2 submitters: Likely benign (2). Last evaluated 2023-03-01.

Conditions:
Autosomal dominant nonsyndromic hearing loss 4A. Also called: Deafness, autosomal dominant 4A. Identifiers: Orphanet 90635, MedGen C1833503, MONDO:0010915, OMIM 600652.

Allele frequency attached by ClinVar (database versions not stated): gnomAD exomes 0.00009; ExAC 0.00010; TOPMed 0.00010.
gnomAD v4.1: 17 of 1,604,238 alleles (0.0011%); highest among the groups gnomAD compares: East Asian, 0.025%; no homozygotes.

Submissions (2):

Labcorp Genetics (formerly Invitae), Labcorp
Classification: Likely benign. Last evaluated: 2023-03-01. Review status: criteria provided, single submitter. Criteria: Invitae Variant Classification Sherloc (09022015). Collection method: clinical testing. Allele origin: germline.

Illumina Laboratory Services, Illumina
Classification: Likely benign for Autosomal dominant nonsyndromic hearing loss 4A. Last evaluated: 2018-01-12. Review status: criteria provided, single submitter. Criteria: ICSL Variant Classification Criteria 13 December 2019. Collection method: clinical testing. Allele origin: germline.
Comment: This variant was observed in the ICSL laboratory as part of a predisposition screen in an ostensibly healthy population. It had not been previously curated by ICSL or reported in the Human Gene Mutation Database (HGMD: prior to June 1st, 2018), and was therefore a candidate for classification through an automated scoring system. Utilizing variant allele frequency, disease prevalence and penetrance estimates, and inheritance mode, an automated score was calculated to assess if this variant is too frequent to cause the disease. Based on the score and internal cut-off values, a variant classified as likely benign is not then subjected to further curation. The score for this variant resulted in a classification of likely benign for this disease.

NM_001145809.2(MYH14):c.2544C>T (p.Ile848=)

Gene: MYH14 (myosin heavy chain 14; plus strand). Cytogenetic location: 19q13.33.
Variant type: single nucleotide variant.
Coding change: c.2544C>T on transcript NM_001145809.2 (MANE Select); coding-DNA position 2544, C replaced by T.
Protein change: p.Ile848=; no amino-acid change (isoleucine 848 retained).
Molecular consequence: synonymous variant.
Genome position (GRCh38, 1-based): chr19:50,261,594, C>T. VCF-style: chr19-50261594-C-T. GRCh37 (hg19) VCF-style: chr19-50764851-C-T.
Other names: c.2445C>T, p.Ile815= (NM_001077186.2); c.2421C>T, p.Ile807= (NM_024729.4).
Identifiers: ClinVar variation 893633 (VCV000893633.7), dbSNP rs761170226, ClinGen allele CA9592981.